The following is an entry in ClinVar:

ClinVar aggregate classification (germline): Uncertain significance (1 of 4 stars; one submission).

Conditions:
Epidermodysplasia verruciformis. Identifiers: Orphanet 302, MedGen C0014522, MONDO:0009176.

gnomAD v4.1: 31 of 1,614,064 alleles (0.0019%); highest among the groups gnomAD compares: East Asian, 0.0022%; no homozygotes.

Submission:

Labcorp Genetics (formerly Invitae), Labcorp
Classification: Uncertain significance for Epidermodysplasia verruciformis. Last evaluated: 2024-12-31. Review status: criteria provided, single submitter. Criteria: Invitae Variant Classification Sherloc (09022015). Collection method: clinical testing. Allele origin: germline.
Comment: This sequence change replaces glycine, which is neutral and non-polar, with arginine, which is basic and polar, at codon 307 of the TMC8 protein (p.Gly307Arg). This variant is present in population databases (rs200537277, gnomAD 0.01%). This variant has not been reported in the literature in individuals affected with TMC8-related conditions. Invitae Evidence Modeling of protein sequence and biophysical properties (such as structural, functional, and spatial information, amino acid conservation, physicochemical variation, residue mobility, and thermodynamic stability) indicates that this missense variant is not expected to disrupt TMC8 protein function with a negative predictive value of 80%. In summary, the available evidence is currently insufficient to determine the role of this variant in disease. Therefore, it has been classified as a Variant of Uncertain Significance.

NM_152468.5(TMC8):c.919G>A (p.Gly307Arg)

Gene: TMC8 (transmembrane channel like 8; plus strand). Cytogenetic location: 17q25.3.
Variant type: single nucleotide variant.
Coding change: c.919G>A on transcript NM_152468.5 (MANE Select); coding-DNA position 919, G replaced by A.
Protein change: p.Gly307Arg; replaces glycine 307 with arginine.
Molecular consequence: missense variant.
Genome position (GRCh38, 1-based): chr17:78,134,496, G>A. VCF-style: chr17-78134496-G-A. GRCh37 (hg19) VCF-style: chr17-76130577-G-A.
Other names: short protein forms G307R.
Identifiers: ClinVar variation 3644963 (VCV003644963.1).